The following is an entry in ClinVar:

NM_030782.5(CLPTM1L):c.879C>G (p.Val293=)

Gene: CLPTM1L (CLPTM1 like). Cytogenetic location: 5p15.33.
Variant type: single nucleotide variant.
Coding change: c.879C>G on transcript NM_030782.5 (MANE Select); coding-DNA position 879, C replaced by G.
Protein change: p.Val293=; no amino-acid change (valine 293 retained).
Molecular consequence: synonymous variant.
Genome position (GRCh38, 1-based): chr5:1,334,301, G>C on the plus strand (C>G on the coding strand, the complement: CLPTM1L is on the minus strand). VCF-style: chr5-1334301-G-C. GRCh37 (hg19) VCF-style: chr5-1334416-G-C.
Identifiers: ClinVar variation 3043571 (VCV003043571.2), dbSNP rs773036012, ClinGen allele CA3185438.

ClinVar aggregate classification (germline): Likely benign (0 of 4 stars; one submission).

Conditions:
CLPTM1L-related disorder. Also called: CLPTM1L-related condition.

Allele frequency attached by ClinVar (database versions not stated): ExAC 0.00001.
gnomAD v4.1: 21 of 1,613,308 alleles (0.0013%); highest among the groups gnomAD compares: Middle Eastern, 0.016%; no homozygotes.

Submission:

PreventionGenetics, part of Exact Sciences
Classification: Likely benign for CLPTM1L-related condition. Last evaluated: 2019-03-01. Review status: no assertion criteria provided. Collection method: clinical testing. Allele origin: germline.
Comment: This variant is classified as likely benign based on ACMG/AMP sequence variant interpretation guidelines (Richards et al. 2015 PMID: 25741868, with internal and published modifications).